The following is an entry in ClinVar:

NM_032578.4(MYPN):c.1186C>G (p.Pro396Ala)

Gene: MYPN (myopalladin; plus strand). Cytogenetic location: 10q21.3.
Variant type: single nucleotide variant.
Coding change: c.1186C>G on transcript NM_032578.4 (MANE Select); coding-DNA position 1186, C replaced by G.
Protein change: p.Pro396Ala; replaces proline 396 with alanine.
Molecular consequence: missense variant. On other transcripts: non-coding transcript variant (2).
Genome position (GRCh38, 1-based): chr10:68,148,408, C>G. VCF-style: chr10-68148408-C-G. GRCh37 (hg19) VCF-style: chr10-69908165-C-G.
Other names: c.1186C>G, p.Pro396Ala (NM_001256267.2); c.304C>G, p.Pro102Ala (NM_001256268.2); short protein forms P396A, P102A.
Identifiers: ClinVar variation 544033 (VCV000544033.8), dbSNP rs1554842709, ClinGen allele CA376831993.
Genomic context (GRCh38, chr10:68,148,408, plus strand): 5'-CTCAGAATCCAGAAGCCAAATGAGGTGTCATCTCCTCCCACTACCTCTGCAGTCATTCCT[C>G]CAGCAGTACCCCAAGCCCAGCATTTGGTGGCCCAACCTCGTGTGGCAACCATCCAGCAGG-3'
Protein context (NP_115967.2, residues 386-406): SPPTTSAVIP[Pro396Ala]AVPQAQHLVA

ClinVar aggregate classification (germline): Uncertain significance (1 of 4 stars; one submission).

Conditions:
Dilated cardiomyopathy 1KK (CMD1KK). Identifiers: Orphanet 154, Orphanet 75249, MedGen C3714995, MONDO:0014100, OMIM 615248.

Submission:

Labcorp Genetics (formerly Invitae), Labcorp
Classification: Uncertain significance for Dilated cardiomyopathy 1KK. Last evaluated: 2022-03-08. Review status: criteria provided, single submitter. Criteria: Invitae Variant Classification Sherloc (09022015). Collection method: clinical testing. Allele origin: germline.
Comment: This sequence change replaces proline, which is neutral and non-polar, with alanine, which is neutral and non-polar, at codon 396 of the MYPN protein (p.Pro396Ala). In summary, the available evidence is currently insufficient to determine the role of this variant in disease. Therefore, it has been classified as a Variant of Uncertain Significance. Algorithms developed to predict the effect of missense changes on protein structure and function output the following: SIFT: "Tolerated"; PolyPhen-2: "Benign"; Align-GVGD: "Class C0". The alanine amino acid residue is found in multiple mammalian species, which suggests that this missense change does not adversely affect protein function. ClinVar contains an entry for this variant (Variation ID: 544033). This variant has not been reported in the literature in individuals affected with MYPN-related conditions. This variant is not present in population databases (gnomAD no frequency).